The following is an entry in ClinVar:

GRCh38/hg38 3p24.1(chr3:30628928-30656356)x1

Gene: TGFBR2 (transforming growth factor beta receptor 2; plus strand). Cytogenetic location: 3p24.1.
Variant type: copy number loss.
Change: copy number 1 (one copy instead of two) of chr3:30,628,928-30,656,356 (27.4 kb, GRCh38 coordinates, 1-based), cytogenetic band 3p24.1.
Identifiers: ClinVar variation 60055 (VCV000060055.1).

ClinVar aggregate classification (germline): Uncertain significance (1 of 4 stars; one submission).

Submission:

ISCA site 14
Classification: Uncertain significance. Last evaluated: 2011-08-12. Review status: criteria provided, single submitter. Criteria: Kaminsky et al. (Genet Med. 2011). Collection method: clinical testing. Allele origin: unknown. Affected: yes. Observed: 1 variant allele.
Comment: Copy number variation identified through the course of routine clinical cytogenomic testing in postnatal populations. Clinical assertions have been curated as described in Kaminsky et al. 2011.